The following is an entry in ClinVar:

ClinVar aggregate classification (germline): Likely pathogenic (1 of 4 stars; one submission).

Conditions:
Autosomal recessive Alport syndrome (ATS2). Also called: COL4A4 Alport Syndrome and Thin Basement Membrane Nephropathy; ALPORT SYNDROME 2, AUTOSOMAL RECESSIVE; Alport syndrome type 2; COL4A3-Related Nephropathy. Identifiers: Orphanet 63, Orphanet 88919, MedGen C4746745, MONDO:0008762, OMIM 203780.

Submission:

MVZ Medizinische Genetik Mainz
Classification: Likely pathogenic for Autosomal recessive Alport syndrome. Last evaluated: 2022-11-24. Review status: criteria provided, single submitter. Criteria: UK Practice Guidelines For Variant Classification V4 01 2020. Collection method: clinical testing. Allele origin: germline. Inheritance: Autosomal dominant inheritance. Affected: yes. Observed: 1 variant allele.
Comment: ACMG Criteria: PM1_STR, PM2_SUP, PP3, PP4

NM_000092.5(COL4A4):c.1615G>A (p.Gly539Arg)

Gene: COL4A4 (collagen type IV alpha 4 chain; minus strand). Cytogenetic location: 2q36.3.
Variant type: single nucleotide variant.
Coding change: c.1615G>A on transcript NM_000092.5 (MANE Select); coding-DNA position 1615, G replaced by A.
Protein change: p.Gly539Arg; replaces glycine 539 with arginine.
Molecular consequence: missense variant.
Genome position (GRCh38, 1-based): chr2:227,088,661, C>T on the plus strand (G>A on the coding strand, the complement: COL4A4 is on the minus strand). VCF-style: chr2-227088661-C-T. GRCh37 (hg19) VCF-style: chr2-227953377-C-T.
Other names: short protein forms G539R.
Identifiers: ClinVar variation 3235213 (VCV003235213.1), dbSNP rs2475022046.